The following is an entry in ClinVar:

NM_000535.7(PMS2):c.1409C>A (p.Pro470His)

Gene: PMS2 (PMS1 homolog 2, mismatch repair system component; minus strand). Cytogenetic location: 7p22.1.
Variant type: single nucleotide variant.
Coding change: c.1409C>A on transcript NM_000535.7 (MANE Select); coding-DNA position 1409, C replaced by A.
Protein change: p.Pro470His; replaces proline 470 with histidine.
Molecular consequence: missense variant. On other transcripts: non-coding transcript variant (1), intron variant (1).
Genome position (GRCh38, 1-based): chr7:5,987,356, G>T on the plus strand (C>A on the coding strand, the complement: PMS2 is on the minus strand). VCF-style: chr7-5987356-G-T. GRCh37 (hg19) VCF-style: chr7-6026987-G-T.
Other names: c.1091C>A, p.Pro364His (NM_001322008.2, NM_001406883.1, NM_001322007.2 and 2 more transcripts); c.1004C>A, p.Pro335His (NM_001322009.2, NM_001406887.1, NM_001406890.1 and 16 more transcripts); c.848C>A, p.Pro283His (NM_001322010.2, NM_001406906.1, NM_001406907.1); c.476C>A, p.Pro159His (NM_001322011.2, NM_001322012.2); c.836C>A, p.Pro279His (NM_001322013.2, NM_001406909.1); c.1409C>A, p.Pro470His (NM_001322014.2, NM_001406871.1, NM_001406872.1); c.1100C>A, p.Pro367His (NM_001322015.2, NM_001406878.1, NM_001406879.1 and 5 more transcripts); c.1595C>A, p.Pro532His (NM_001406866.1); and 13 more; short protein forms P358H, P532H, P159H, P279H, P283H, P348H, P367H, P434H.
Identifiers: ClinVar variation 5026943 (VCV005026943.1).

ClinVar aggregate classification (germline): Uncertain significance (1 of 4 stars; one submission).

Conditions:
Hereditary cancer-predisposing syndrome. Also called: Neoplastic Syndromes, Hereditary; Tumor predisposition; Hereditary neoplastic syndrome; Hereditary Cancer Syndrome. Identifiers: Orphanet 140162, MedGen C0027672, MeSH D009386, MONDO:0015356.

Submission:

Ambry Genetics
Classification: Uncertain significance for Hereditary cancer-predisposing syndrome. Last evaluated: 2026-09-14. Review status: criteria provided, single submitter. Criteria: Ambry Variant Classification Scheme 2023. Collection method: clinical testing. Allele origin: germline.
Comment: The p.P470H variant (also known as c.1409C>A), located in coding exon 11 of the PMS2 gene, results from a C to A substitution at nucleotide position 1409. The proline at codon 470 is replaced by histidine, an amino acid with similar properties. This amino acid position is not well conserved in available vertebrate species. In addition, this alteration is predicted to be tolerated by in silico analysis. Based on the available evidence, the clinical significance of this variant remains unclear.